The following is an entry in ClinVar:

NM_001182.5(ALDH7A1):c.1280A>G (p.Glu427Gly)

Gene: ALDH7A1 (aldehyde dehydrogenase 7 family member A1; minus strand). Cytogenetic location: 5q23.2.
Variant type: single nucleotide variant.
Coding change: c.1280A>G on transcript NM_001182.5 (MANE Select); coding-DNA position 1280, A replaced by G.
Protein change: p.Glu427Gly; replaces glutamic acid 427 with glycine.
Molecular consequence: missense variant.
Genome position (GRCh38, 1-based): chr5:126,552,058, T>C on the plus strand (A>G on the coding strand, the complement: ALDH7A1 is on the minus strand). VCF-style: chr5-126552058-T-C. GRCh37 (hg19) VCF-style: chr5-125887750-T-C.
Other names: c.1196A>G, p.Glu399Gly (NM_001201377.2); c.1088A>G, p.Glu363Gly (NM_001202404.2); short protein forms E363G, E399G, E427G.
Identifiers: ClinVar variation 944165 (VCV000944165.11), dbSNP rs1311982393, ClinGen allele CA360722997.

ClinVar aggregate classification (germline): Pathogenic. Review status: criteria provided, multiple submitters, no conflicts (2 of 4 stars). 2 submissions from 2 submitters: Pathogenic (2). Last evaluated 2025-05-08.

Conditions:
Pyridoxine-dependent epilepsy (EPEO4). Also called: PYRIDOXINE DEPENDENCY WITH SEIZURES; Pyridoxine-Dependent Epilepsy - ALDH7A1; EPILEPSY, EARLY-ONSET, 4, VITAMIN B6-DEPENDENT; Pyridoxine-Dependent Seizures. Identifiers: Orphanet 3006, MedGen C1849508, MONDO:0009945, OMIM 266100. Disease mechanism: loss of function.

Allele frequency attached by ClinVar (database versions not stated): gnomAD exomes below 0.00001.
gnomAD v4.1: 2 of 1,614,034 alleles (0.00012%); highest among the groups gnomAD compares: Non-Finnish European, 0.00017%; no homozygotes.

Submissions (2):

Women's Health and Genetics/Laboratory Corporation of America, LabCorp
Classification: Pathogenic for Pyridoxine-dependent epilepsy. Last evaluated: 2025-05-08. Review status: criteria provided, single submitter. Criteria: LabCorp Variant Classification Summary - May 2015. Collection method: clinical testing. Allele origin: germline.
Comment: Variant summary: ALDH7A1 c.1280A>G (p.Glu427Gly) results in a non-conservative amino acid change in the encoded protein sequence. Algorithms developed to predict the effect of missense changes on protein structure and function all suggest that this variant is likely to be disruptive. The variant allele was found at a frequency of 4e-06 in 251240 control chromosomes (gnomAD). c.1280A>G has been observed in an individual affected with Pyridoxine-Dependent Epilepsy (Bennett_2009). A different variant affecting the same codon has been classified as pathogenic by our lab (c.1281G>T, p.Glu427Asp), supporting the critical relevance of codon 427 to ALDH7A1 protein function. At least one publication reports experimental evidence evaluating an impact on protein function, finding that the variant effect results in <3% of normal enzymatic activity (Coulter-Mackie_2012). The following publications have been ascertained in the context of this evaluation (PMID: 19128417, 22784480). ClinVar contains an entry for this variant (Variation ID: 944165). Based on the evidence outlined above, the variant was classified as pathogenic.

Labcorp Genetics (formerly Invitae), Labcorp
Classification: Pathogenic for Pyridoxine-dependent epilepsy. Last evaluated: 2023-11-27. Review status: criteria provided, single submitter. Criteria: Invitae Variant Classification Sherloc (09022015). Collection method: clinical testing. Allele origin: germline.
Comment: This sequence change replaces glutamic acid, which is acidic and polar, with glycine, which is neutral and non-polar, at codon 427 of the ALDH7A1 protein (p.Glu427Gly). This variant is present in population databases (no rsID available, gnomAD 0.0009%). This missense change has been observed in individual(s) with possible pyridoxine-dependent seizures (PMID: 19128417). In at least one individual the data is consistent with being in trans (on the opposite chromosome) from a pathogenic variant. This variant is also known as E399G. ClinVar contains an entry for this variant (Variation ID: 944165). Advanced modeling of protein sequence and biophysical properties (such as structural, functional, and spatial information, amino acid conservation, physicochemical variation, residue mobility, and thermodynamic stability) performed at Invitae indicates that this missense variant is expected to disrupt ALDH7A1 protein function with a positive predictive value of 95%. Experimental studies have shown that this missense change affects ALDH7A1 function (PMID: 22784480). This variant disrupts the p.Glu427 amino acid residue in ALDH7A1. Other variant(s) that disrupt this residue have been determined to be pathogenic (PMID: 16491085, 19128417, 22371912, 26224730). This suggests that this residue is clinically significant, and that variants that disrupt this residue are likely to be disease-causing. For these reasons, this variant has been classified as Pathogenic.

Literature cited by the submitters: PubMed 19128417 (cited by Women's Health and Genetics/Laboratory Corporation of America, LabCorp and Labcorp Genetics (formerly Invitae), Labcorp); PubMed 22784480 (cited by Women's Health and Genetics/Laboratory Corporation of America, LabCorp and Labcorp Genetics (formerly Invitae), Labcorp); PubMed 16491085 (cited by Labcorp Genetics (formerly Invitae), Labcorp); PubMed 22371912 (cited by Labcorp Genetics (formerly Invitae), Labcorp); PubMed 26224730 (cited by Labcorp Genetics (formerly Invitae), Labcorp).